The following is an entry in ClinVar:

NM_020964.3(EPG5):c.713G>T (p.Arg238Leu)

Gene: EPG5 (ectopic P-granules 5 autophagy tethering factor; minus strand). Cytogenetic location: 18q21.1.
Variant type: single nucleotide variant.
Coding change: c.713G>T on transcript NM_020964.3 (MANE Select); coding-DNA position 713, G replaced by T.
Protein change: p.Arg238Leu; replaces arginine 238 with leucine.
Molecular consequence: missense variant.
Genome position (GRCh38, 1-based): chr18:45,954,689, C>A on the plus strand (G>T on the coding strand, the complement: EPG5 is on the minus strand). VCF-style: chr18-45954689-C-A. GRCh37 (hg19) VCF-style: chr18-43534655-C-A.
Other names: short protein forms R238L.
Identifiers: ClinVar variation 827977 (VCV000827977.10), dbSNP rs370270531, ClinGen allele CA8949901.
Genomic context (GRCh38, chr18:45,954,689, plus strand): 5'-TCTTTAGTAAATGGTACTAGTTCCAGTTGAGACGGGAGTTCTGGGTAGAGTCGCTCACTG[C>A]GAAGCAAGGGTTTCACTGCCACCAAAGCTGGTGCTTCTCCAGCAATTTCAGCTGGCAACT-3'
Protein context (NP_066015.2, residues 228-248): PALVAVKPLL[Arg238Leu]SERLYPELPS

ClinVar aggregate classification (germline): Uncertain significance. Review status: criteria provided, multiple submitters, no conflicts (2 of 4 stars). 2 submissions from 2 submitters: Uncertain significance (2). Last evaluated 2021-08-24.

Conditions:
Vici syndrome (VICIS). Identifiers: Orphanet 1493, MedGen C1855772, MONDO:0009452, OMIM 242840.

Allele frequency attached by ClinVar (database versions not stated): gnomAD 0.00001; TOPMed 0.00003; ESP Exome Variant Server 0.00008.
gnomAD v4.1: 6 of 1,614,092 alleles (0.00037%); highest among the groups gnomAD compares: Non-Finnish European, 0.00051%; no homozygotes.

Submissions (2):

Labcorp Genetics (formerly Invitae), Labcorp
Classification: Uncertain significance for Vici syndrome. Last evaluated: 2021-08-24. Review status: criteria provided, single submitter. Criteria: Invitae Variant Classification Sherloc (09022015). Collection method: clinical testing. Allele origin: germline.
Comment: This sequence change replaces arginine with leucine at codon 238 of the EPG5 protein (p.Arg238Leu). The arginine residue is weakly conserved and there is a moderate physicochemical difference between arginine and leucine. This variant is present in population databases (rs370270531, ExAC 0.003%). This variant has not been reported in the literature in individuals affected with EPG5-related conditions. Algorithms developed to predict the effect of missense changes on protein structure and function (SIFT, PolyPhen-2, Align-GVGD) all suggest that this variant is likely to be tolerated. In summary, the available evidence is currently insufficient to determine the role of this variant in disease. Therefore, it has been classified as a Variant of Uncertain Significance.

Center for Genomics, Ann and Robert H. Lurie Children's Hospital of Chicago
Classification: Uncertain significance for Vici syndrome. Last evaluated: 2021-03-30. Review status: criteria provided, single submitter. Criteria: ACMG Guidelines, 2015. Collection method: clinical testing. Allele origin: germline.
Comment: EPG5 NM_020964.2 exon 2 p.Arg238Leu (c.713G>T): This variant has not been reported in the literature and is present in 0.001% (2/113172) of European alleles in the Genome Aggregation Database. Evolutionary conservation and computational predictive tools suggest that this variant may not impact the protein. In summary, data on this variant is insufficient for disease classification. Therefore, the clinical significance of this variant is uncertain.